The following is an entry in ClinVar:

NM_001385641.1(SAMD11):c.964G>A (p.Ala322Thr)

Gene: SAMD11 (sterile alpha motif domain containing 11; plus strand). Cytogenetic location: 1p36.33.
Variant type: single nucleotide variant.
Coding change: c.964G>A on transcript NM_001385641.1 (MANE Select); coding-DNA position 964, G replaced by A.
Protein change: p.Ala322Thr; replaces alanine 322 with threonine.
Molecular consequence: missense variant.
Genome position (GRCh38, 1-based): chr1:935,893, G>A. VCF-style: chr1-935893-G-A. GRCh37 (hg19) VCF-style: chr1-871273-G-A.
Other names: c.964G>A, p.Ala322Thr (NM_001385640.1); c.427G>A, p.Ala143Thr (NM_152486.4); short protein forms A143T, A322T.
Identifiers: ClinVar variation 1015922 (VCV001015922.8), dbSNP rs762953021, ClinGen allele CA502603.
Genomic context (GRCh38, chr1:935,893, plus strand): 5'-CCCGAGCATCAGAGCCGCTGTGAATTCCAGAGAGGCAGCCTGGAGATTGGCCTGCGACCC[G>A]CCGGTGAGGAGCACAGGGGGCCTGAGGGCGGGGTCGGGGCTGTGGGGCCAGAGGACGGTG-3'
Protein context (NP_001372570.1, residues 312-332): RGSLEIGLRP[Ala322Thr]GDLLGKRLGR

ClinVar aggregate classification (germline): Uncertain significance (1 of 4 stars; one submission).

Allele frequency attached by ClinVar (database versions not stated): TOPMed 0.00001.
gnomAD v4.1: 8 of 1,612,538 alleles (0.0005%); highest among the groups gnomAD compares: Admixed American, 0.0033%; no homozygotes.

Submission:

Labcorp Genetics (formerly Invitae), Labcorp
Classification: Uncertain significance. Last evaluated: 2024-10-25. Review status: criteria provided, single submitter. Criteria: Invitae Variant Classification Sherloc (09022015). Collection method: clinical testing. Allele origin: germline.
Comment: This sequence change replaces alanine, which is neutral and non-polar, with threonine, which is neutral and polar, at codon 143 of the SAMD11 protein (p.Ala143Thr). This variant is present in population databases (rs762953021, gnomAD 0.009%). This variant has not been reported in the literature in individuals affected with SAMD11-related conditions. ClinVar contains an entry for this variant (Variation ID: 1015922). An algorithm developed to predict the effect of missense changes on protein structure and function outputs the following: PolyPhen-2: "Benign". The threonine amino acid residue is found in multiple mammalian species, which suggests that this missense change does not adversely affect protein function. In summary, the available evidence is currently insufficient to determine the role of this variant in disease. Therefore, it has been classified as a Variant of Uncertain Significance.